The following is an entry in ClinVar:

NM_007294.4(BRCA1):c.1813G>A (p.Ala605Thr)

Gene: BRCA1 (BRCA1 DNA repair associated; minus strand). Cytogenetic location: 17q21.31.
Variant type: single nucleotide variant.
Coding change: c.1813G>A on transcript NM_007294.4 (MANE Select); coding-DNA position 1813, G replaced by A.
Protein change: p.Ala605Thr; replaces alanine 605 with threonine.
Molecular consequence: missense variant. On other transcripts: intron variant (137).
Genome position (GRCh38, 1-based): chr17:43,093,718, C>T on the plus strand (G>A on the coding strand, the complement: BRCA1 is on the minus strand). VCF-style: chr17-43093718-C-T. GRCh37 (hg19) VCF-style: chr17-41245735-C-T.
Other names: c.784+1026G>A (NM_001408396.1, NM_001407985.1, NM_001408407.1 and 13 more transcripts); c.548-2686G>A (NM_001408494.1); c.664+1026G>A (NM_001408444.1, NM_001408438.1, NM_001408430.1 and 12 more transcripts); c.670+2128G>A (NM_001408423.1, NM_001408420.1, NM_001408419.1 and 2 more transcripts); c.1549G>A, p.Ala517Thr (NM_001407922.1, NM_001407923.1, NM_001407924.1 and 9 more transcripts); c.1690G>A, p.Ala564Thr (NM_001407939.1, NM_001407648.1, NM_001407665.1 and 19 more transcripts); c.1687G>A, p.Ala563Thr (NM_001407940.1, NM_001407941.1, NM_001407649.1 and 11 more transcripts); c.1672G>A, p.Ala558Thr (NM_001407942.1, NM_001407944.1, NM_001407945.1 and 29 more transcripts); and 40 more; short protein forms A309T, A477T, A478T, A494T, A537T, A578T, A602T, A437T.
Identifiers: ClinVar variation 3992597 (VCV003992597.1).

ClinVar aggregate classification (germline): Uncertain significance (1 of 4 stars; one submission).

Conditions:
Hereditary cancer-predisposing syndrome. Also called: Tumor predisposition; Hereditary neoplastic syndrome; Neoplastic Syndromes, Hereditary; Hereditary Cancer Syndrome. Identifiers: Orphanet 140162, MedGen C0027672, MeSH D009386, MONDO:0015356.

Submission:

Ambry Genetics
Classification: Uncertain significance for Hereditary cancer-predisposing syndrome. Last evaluated: 2025-04-13. Review status: criteria provided, single submitter. Criteria: Ambry Variant Classification Scheme 2023. Collection method: clinical testing. Allele origin: germline.
Comment: The p.A605T variant (also known as c.1813G>A), located in coding exon 9 of the BRCA1 gene, results from a G to A substitution at nucleotide position 1813. The alanine at codon 605 is replaced by threonine, an amino acid with similar properties. This amino acid position is not well conserved in available vertebrate species. In addition, the in silico prediction for this alteration is inconclusive. Based on the available evidence, the clinical significance of this variant remains unclear.